The following is an entry in ClinVar:

NM_000548.5(TSC2):c.4493+3_4493+6dup

Gene: TSC2 (TSC complex subunit 2; plus strand). Cytogenetic location: 16p13.3.
Variant type: Duplication.
Coding change: c.4493+3_4493+6dup on transcript NM_000548.5 (MANE Select); bases 3 to 6 of the intron after coding-DNA position 4493, 4 bases duplicated (GGGC; older notation c.4493+3_4493+6dupGGGC).
Molecular consequence: intron variant.
Genome position (GRCh38, 1-based): chr16:2,084,718-2,084,721, GGGC duplicated. VCF-style (leftmost placement, unchanged base first): chr16-2084717-T-TGGGC. GRCh37 (hg19) VCF-style: chr16-2134718-T-TGGGC.
Other names: c.2951+3_2951+6dup (NM_001406693.1, NM_001406692.1, NM_001406694.1); c.4385+3_4385+6dup (NM_001406667.1); c.4382+3_4382+6dup (NM_001406668.1); c.3893+3_3893+6dup (NM_001406680.1); c.3824+3_3824+6dup (NM_001406683.1, NM_001406682.1); c.3692+3_3692+6dup (NM_001406687.1, NM_001406688.1); c.3080+3_3080+6dup (NM_001406689.1); c.3020+3_3020+6dup (NM_001406690.1); and 26 more.
Identifiers: ClinVar variation 3075101 (VCV003075101.1), dbSNP rs2544292299, ClinGen allele CA2825002337.
Genomic context (GRCh38, chr16:2,084,717, plus strand): 5'-GCCTTAAAGAGCAGAGCCACAGCCTCCAATGCAGAGAAAGTGCCAGGCATCAACCCCAGG[T>TGGGC]GGGCCTCTTGCTTCCGGGCGGGGCTCCTGACACCTCTCCTGCGGGAACCTGGTGCCTCAC-3'

ClinVar aggregate classification (germline): Uncertain significance (1 of 4 stars; one submission).

Conditions:
Tuberous sclerosis syndrome (TSC). Also called: Tuberous Sclerosis Complex; Tuberous sclerosis. Identifiers: Orphanet 805, MedGen C0041341, MONDO:0001734.

Submission:

All of Us Research Program, National Institutes of Health
Classification: Uncertain significance for Tuberous sclerosis syndrome. Last evaluated: 2023-12-18. Review status: criteria provided, single submitter. Criteria: ACMG Guidelines, 2015. Collection method: clinical testing. Allele origin: germline. Inheritance: Autosomal dominant inheritance. Observed: 1 variant allele, 1 heterozygote.
Comment: This variant causes a 4 nucleotide duplication in the splice donor region of intron 34 of the TSC2 gene. To our knowledge, RNA studies have not been reported for this variant. This variant has not been reported in individuals affected with TSC2-related disorders in the literature. This variant has not been identified in the general population by the Genome Aggregation Database (gnomAD). The available evidence is insufficient to determine the role of this variant in disease conclusively. Therefore, this variant is classified as a Variant of Uncertain Significance.

This study involves interpretation of variants in research participants for the purpose of population health screening. Participant phenotype was not available at the time of variant classification. Additional details can be found in publication PMID: 35346344, PMCID: PMC8962531